The following is an entry in ClinVar:

NM_000135.4(FANCA):c.1912G>A (p.Gly638Arg)

Gene: FANCA (FA complementation group A; minus strand). Cytogenetic location: 16q24.3.
Variant type: single nucleotide variant.
Coding change: c.1912G>A on transcript NM_000135.4 (MANE Select); coding-DNA position 1912, G replaced by A.
Protein change: p.Gly638Arg; replaces glycine 638 with arginine.
Molecular consequence: missense variant.
Genome position (GRCh38, 1-based): chr16:89,773,373, C>T on the plus strand (G>A on the coding strand, the complement: FANCA is on the minus strand). VCF-style: chr16-89773373-C-T. GRCh37 (hg19) VCF-style: chr16-89839781-C-T.
Other names: c.1912G>A, p.Gly638Arg (NM_001286167.3); short protein forms G638R.
Identifiers: ClinVar variation 4870844 (VCV004870844.1).

ClinVar aggregate classification (germline): Uncertain significance (1 of 4 stars; one submission).

Conditions:
Inborn genetic diseases. Identifiers: MedGen C0950123, MeSH D030342.

Submission:

Ambry Genetics
Classification: Uncertain significance for Inborn genetic diseases. Last evaluated: 2026-04-19. Review status: criteria provided, single submitter. Criteria: Ambry Variant Classification Scheme 2023. Collection method: clinical testing. Allele origin: germline.
Comment: The p.G638R variant (also known as c.1912G>A), located in coding exon 22 of the FANCA gene, results from a G to A substitution at nucleotide position 1912. The glycine at codon 638 is replaced by arginine, an amino acid with dissimilar properties. This amino acid position is conserved. In addition, this alteration is predicted to be tolerated by in silico analysis. Based on the available evidence, the clinical significance of this variant remains unclear.